The following is an entry in ClinVar:

ClinVar aggregate classification (germline): Uncertain significance. Review status: criteria provided, multiple submitters, no conflicts (2 of 4 stars). 4 submissions from 4 submitters: Uncertain significance (3). 1 of the submissions does not count toward it. Last evaluated 2026-04-02.

Conditions:
F7-related disorder. Also called: F7-related condition.
Congenital factor VII deficiency. Identifiers: Orphanet 327, MedGen C0272320, MONDO:0009211, OMIM 227500.
Factor VII deficiency. Also called: F7 DEFICIENCY; HYPOPROCONVERTINEMIA; Factor 7 deficiency. Identifiers: MedGen C0015503, MeSH D005168, MONDO:0002244.

Allele frequency attached by ClinVar (database versions not stated): TOPMed 0.00002; ExAC 0.00005; gnomAD exomes 0.00007; 1000 Genomes Project 0.00020; 1000 Genomes Project 30x 0.00031; gnomAD 0.00001 and 0.00002.
gnomAD v4.1: 104 of 1,560,352 alleles (0.0067%); highest among the groups gnomAD compares: Non-Finnish European, 0.0086%; no homozygotes.

Submissions (4):

PreventionGenetics, part of Exact Sciences
Classification: Uncertain significance for F7-related condition. Last evaluated: 2026-04-02. Review status: criteria provided, single submitter. Criteria: ACMG Guidelines, 2015. Collection method: clinical testing. Allele origin: germline.
Comment: The F7 c.283G>A variant is predicted to result in the amino acid substitution p.Glu95Lys. This variant has been reported in an individual with a coagulation disorder (Table S3, Downes et al. 2019. PubMed ID: 31064749). This variant is reported in 0.0046% of alleles in individuals of European (Non-Finnish) descent in gnomAD. At this time, the clinical significance of this variant is uncertain due to the absence of conclusive functional and genetic evidence.

Mayo Clinic Laboratories, Mayo Clinic
Classification: Uncertain significance. Last evaluated: 2025-01-06. Review status: criteria provided, single submitter. Criteria: ACMG Guidelines, 2015. Collection method: clinical testing. Allele origin: germline. Observed: 2 variant alleles.
Comment: PM1, PM2_supporting

NIHR Bioresource Rare Diseases, University of Cambridge
Classification: Uncertain significance for Congenital factor VII deficiency. Last evaluated: 2019-02-01. Review status: criteria provided, single submitter. Criteria: ACMG Guidelines, 2015. Collection method: research. Allele origin: unknown. Affected: yes. Observed: 1 heterozygote. Study: ThromboGenomics.

ISTH-SSC Genomics in Thrombosis and Hemostasis, KU Leuven, Center for Molecular and Vascular Biology
Classification: Uncertain significance for Congenital factor VII deficiency. Review status: no assertion criteria provided. Collection method: clinical testing. Allele origin: unknown. Affected: yes. Not counted in ClinVar's aggregate classification.
Comment: Submitted to GoldVariant by Bilal Jradeh from Katharine Dormandy Haemophilia and Thrombosis Centre, Royal Free Hospital, London, UK

Literature cited by the submitters: PubMed 31064749 (cited by Mayo Clinic Laboratories, Mayo Clinic and NIHR Bioresource Rare Diseases, University of Cambridge).

NM_019616.4(F7):c.217G>A (p.Glu73Lys)

Gene: F7 (coagulation factor VII; plus strand). Cytogenetic location: 13q34.
Variant type: single nucleotide variant.
Coding change: c.217G>A on transcript NM_019616.4 (MANE Select); coding-DNA position 217, G replaced by A.
Protein change: p.Glu73Lys; replaces glutamic acid 73 with lysine.
Molecular consequence: missense variant. On other transcripts: non-coding transcript variant (1), intron variant (1).
Genome position (GRCh38, 1-based): chr13:113,110,842, G>A. VCF-style: chr13-113110842-G-A. GRCh37 (hg19) VCF-style: chr13-113765156-G-A.
Other names: p.Glu95Lys; c.283G>A, p.Glu95Lys (NM_000131.5); c.65-3005G>A (NM_001267554.2); short protein forms E73K, E95K.
Identifiers: ClinVar variation 627050 (VCV000627050.6), dbSNP rs550453328, ClinGen allele CA7059879.